The following is an entry in ClinVar:

NM_032806.6(POMGNT2):c.1716T>G (p.Phe572Leu)

Gene: POMGNT2 (protein O-linked mannose N-acetylglucosaminyltransferase 2 (beta 1,4-); minus strand). Cytogenetic location: 3p22.1.
Variant type: single nucleotide variant.
Coding change: c.1716T>G on transcript NM_032806.6 (MANE Select); coding-DNA position 1716, T replaced by G.
Protein change: p.Phe572Leu; replaces phenylalanine 572 with leucine.
Molecular consequence: missense variant.
Genome position (GRCh38, 1-based): chr3:43,079,716, A>C on the plus strand (T>G on the coding strand, the complement: POMGNT2 is on the minus strand). VCF-style: chr3-43079716-A-C. GRCh37 (hg19) VCF-style: chr3-43121208-A-C.
Other names: short protein forms F572L.
Identifiers: ClinVar variation 655021 (VCV000655021.5), dbSNP rs1575461128, ClinGen allele CA352299354.

ClinVar aggregate classification (germline): Uncertain significance (1 of 4 stars; one submission).

Conditions:
Muscular dystrophy-dystroglycanopathy (congenital with brain and eye anomalies), type a, 8 (MDDGA8). Also called: WALKER-WARBURG SYNDROME OR MUSCLE-EYE-BRAIN DISEASE, GTDC2-RELATED. Identifiers: Orphanet 899, MedGen C3553813, MONDO:0013904, OMIM 614830.

Allele frequency attached by ClinVar (database versions not stated): gnomAD exomes below 0.00001.
gnomAD v4.1: 2 of 1,613,856 alleles (0.00012%); highest among the groups gnomAD compares: Non-Finnish European, 0.00017%; no homozygotes.

Submission:

Labcorp Genetics (formerly Invitae), Labcorp
Classification: Uncertain significance for Muscular dystrophy-dystroglycanopathy (congenital with brain and eye anomalies), type a, 8. Last evaluated: 2022-06-20. Review status: criteria provided, single submitter. Criteria: Invitae Variant Classification Sherloc (09022015). Collection method: clinical testing. Allele origin: germline.
Comment: ClinVar contains an entry for this variant (Variation ID: 655021). In summary, the available evidence is currently insufficient to determine the role of this variant in disease. Therefore, it has been classified as a Variant of Uncertain Significance. Algorithms developed to predict the effect of missense changes on protein structure and function are either unavailable or do not agree on the potential impact of this missense change (SIFT: "Deleterious"; PolyPhen-2: "Probably Damaging"; Align-GVGD: "Class C15"). This variant has not been reported in the literature in individuals affected with POMGNT2-related conditions. This variant is not present in population databases (gnomAD no frequency). This sequence change replaces phenylalanine, which is neutral and non-polar, with leucine, which is neutral and non-polar, at codon 572 of the POMGNT2 protein (p.Phe572Leu).